The following is an entry in ClinVar:

NM_001376.5(DYNC1H1):c.5517C>T (p.Leu1839=)

Gene: DYNC1H1 (dynein cytoplasmic 1 heavy chain 1; plus strand). Cytogenetic location: 14q32.31.
Variant type: single nucleotide variant.
Coding change: c.5517C>T on transcript NM_001376.5 (MANE Select); coding-DNA position 5517, C replaced by T.
Protein change: p.Leu1839=; no amino-acid change (leucine 1839 retained).
Molecular consequence: synonymous variant.
Genome position (GRCh38, 1-based): chr14:102,005,971, C>T. VCF-style: chr14-102005971-C-T. GRCh37 (hg19) VCF-style: chr14-102472308-C-T.
Identifiers: ClinVar variation 512882 (VCV000512882.1), dbSNP rs1555409623, ClinGen allele CA488184419.

ClinVar aggregate classification (germline): Likely benign (1 of 4 stars; one submission).

Allele frequency attached by ClinVar (database versions not stated): gnomAD 0.00001.
gnomAD v4.1: 1 of 1,614,134 alleles (0.000062%); no homozygotes.

Submission:

GeneDx
Classification: Likely benign. Last evaluated: 2017-10-27. Review status: criteria provided, single submitter. Criteria: GeneDx Variant Classification (06012015). Collection method: clinical testing. Allele origin: germline. Affected: yes.
Comment: This variant is considered likely benign or benign based on one or more of the following criteria: it is a conservative change, it occurs at a poorly conserved position in the protein, it is predicted to be benign by multiple in silico algorithms, and/or has population frequency not consistent with disease.